The following is an entry in ClinVar:

NM_002364.5(MAGEB2):c.696C>A (p.Val232=)

Gene: MAGEB2 (MAGE family member B2; plus strand). Cytogenetic location: Xp21.2.
Variant type: single nucleotide variant.
Coding change: c.696C>A on transcript NM_002364.5 (MANE Select); coding-DNA position 696, C replaced by A.
Protein change: p.Val232=; no amino-acid change (valine 232 retained).
Molecular consequence: synonymous variant.
Genome position (GRCh38, 1-based): chrX:30,219,276, C>A. VCF-style: chrX-30219276-C-A. GRCh37 (hg19) VCF-style: chrX-30237393-C-A.
Identifiers: ClinVar variation 2660225 (VCV002660225.24), dbSNP rs371294125, ClinGen allele CA10375774.

ClinVar aggregate classification (germline): Likely benign (1 of 4 stars; one submission).

Allele frequency attached by ClinVar (database versions not stated): ESP Exome Variant Server 0.00009.

Submission:

CeGaT Center for Human Genetics Tuebingen
Classification: Likely benign. Last evaluated: 2022-08-01. Review status: criteria provided, single submitter. Criteria: CeGaT Center For Human Genetics Tuebingen Variant Classification Criteria Version 2. Collection method: clinical testing. Allele origin: germline. Affected: yes. Observed: 1 variant allele.
Comment: MAGEB2: BP4, BP7